The following is an entry in ClinVar:

NM_004621.6(TRPC6):c.-361A>T

Gene: TRPC6 (transient receptor potential cation channel subfamily C member 6; minus strand). Cytogenetic location: 11q22.1.
Variant type: single nucleotide variant.
Coding change: c.-361A>T on transcript NM_004621.6 (MANE Select); 361 bases upstream of the start codon, A replaced by T.
Molecular consequence: 5 prime UTR variant.
Genome position (GRCh38, 1-based): chr11:101,583,864, T>A on the plus strand (A>T on the coding strand, the complement: TRPC6 is on the minus strand). VCF-style: chr11-101583864-T-A. GRCh37 (hg19) VCF-style: chr11-101454595-T-A.
Identifiers: ClinVar variation 301926 (VCV000301926.8), dbSNP rs41302375, ClinGen allele CA10636784.

ClinVar aggregate classification (germline): Benign. Review status: criteria provided, multiple submitters, no conflicts (2 of 4 stars). 3 submissions from 3 submitters: Benign (3). Last evaluated 2019-08-20.

Conditions:
Focal segmental glomerulosclerosis 2 (FSGS2). Identifiers: Orphanet 656, MedGen C1858915, MONDO:0011390, OMIM 603965.

Allele frequency attached by ClinVar (database versions not stated): 1000 Genomes Project 0.16074; 1000 Genomes Project 30x 0.16131; TOPMed 0.22233; gnomAD 0.22541 and 0.23298; gnomAD exomes 0.23059.
gnomAD v4.1: 49,036 of 215,138 alleles (23%); highest among the groups gnomAD compares: Middle Eastern, 35%; 6,110 homozygotes.

Submissions (3):

GeneDx
Classification: Benign. Last evaluated: 2019-08-20. Review status: criteria provided, single submitter. Criteria: GeneDx Variant Classification Process June 2021. Collection method: clinical testing. Allele origin: germline. Affected: yes.

Illumina Laboratory Services, Illumina
Classification: Benign for Focal segmental glomerulosclerosis 2. Last evaluated: 2018-01-13. Review status: criteria provided, single submitter. Criteria: ICSL Variant Classification Criteria 13 December 2019. Collection method: clinical testing. Allele origin: germline.
Comment: This variant was observed in the ICSL laboratory as part of a predisposition screen in an ostensibly healthy population. It had not been previously curated by ICSL or reported in the Human Gene Mutation Database (HGMD: prior to June 1st, 2018), and was therefore a candidate for classification through an automated scoring system. Utilizing variant allele frequency, disease prevalence and penetrance estimates, and inheritance mode, an automated score was calculated to assess if this variant is too frequent to cause the disease. Based on the score and internal cut-off values, a variant classified as benign is not then subjected to further curation. The score for this variant resulted in a classification of benign for this disease.

Breakthrough Genomics
Classification: Benign. Review status: criteria provided, single submitter. Criteria: ACMG Guidelines, 2015. Collection method: not provided. Allele origin: germline. Inheritance: Autosomal dominant inheritance. Affected: yes.